The following is an entry in ClinVar:

ClinVar aggregate classification (germline): Uncertain significance. Review status: criteria provided, multiple submitters, no conflicts (2 of 4 stars). 2 submissions from 2 submitters: Uncertain significance (2). Last evaluated 2024-09-06.

Conditions:
Hereditary cancer-predisposing syndrome. Also called: Tumor predisposition; Hereditary neoplastic syndrome; Neoplastic Syndromes, Hereditary; Hereditary Cancer Syndrome. Identifiers: Orphanet 140162, MedGen C0027672, MeSH D009386, MONDO:0015356.
Familial cancer of breast. Also called: BREAST CANCER, FAMILIAL; hereditary breast carcinoma; Hereditary breast cancer. Identifiers: Orphanet 227535, MedGen C0346153, MONDO:0016419, OMIM 114480. Disease mechanism: loss of function.

Submissions (2):

Ambry Genetics
Classification: Uncertain significance for Hereditary cancer-predisposing syndrome. Last evaluated: 2024-09-06. Review status: criteria provided, single submitter. Criteria: Ambry Variant Classification Scheme 2023. Collection method: clinical testing. Allele origin: germline.
Comment: The p.K124R variant (also known as c.371A>G), located in coding exon 4 of the BARD1 gene, results from an A to G substitution at nucleotide position 371. The lysine at codon 124 is replaced by arginine, an amino acid with highly similar properties. This amino acid position is not well conserved in available vertebrate species. In addition, this alteration is predicted to be tolerated by in silico analysis. Since supporting evidence is limited at this time, the clinical significance of this alteration remains unclear.

Labcorp Genetics (formerly Invitae), Labcorp
Classification: Uncertain significance for Familial cancer of breast. Last evaluated: 2018-11-05. Review status: criteria provided, single submitter. Criteria: Invitae Variant Classification Sherloc (09022015). Collection method: clinical testing. Allele origin: germline.
Comment: In summary, the available evidence is currently insufficient to determine the role of this variant in disease. Therefore, it has been classified as a Variant of Uncertain Significance. Algorithms developed to predict the effect of missense changes on protein structure and function (SIFT, PolyPhen-2, Align-GVGD) all suggest that this variant is likely to be tolerated, but these predictions have not been confirmed by published functional studies and their clinical significance is uncertain. This variant has not been reported in the literature in individuals with BARD1-related disease. This variant is not present in population databases (ExAC no frequency). This sequence change replaces lysine with arginine at codon 124 of the BARD1 protein (p.Lys124Arg). The lysine residue is highly conserved and there is a small physicochemical difference between lysine and arginine.

NM_000465.4(BARD1):c.371A>G (p.Lys124Arg)

Gene: BARD1 (BRCA1 associated RING domain 1; minus strand). Cytogenetic location: 2q35.
Variant type: single nucleotide variant.
Coding change: c.371A>G on transcript NM_000465.4 (MANE Select); coding-DNA position 371, A replaced by G.
Protein change: p.Lys124Arg; replaces lysine 124 with arginine.
Molecular consequence: missense variant. On other transcripts: intron variant (3), non-coding transcript variant (2).
Genome position (GRCh38, 1-based): chr2:214,781,503, T>C on the plus strand (A>G on the coding strand, the complement: BARD1 is on the minus strand). VCF-style: chr2-214781503-T-C. GRCh37 (hg19) VCF-style: chr2-215646227-T-C.
Other names: c.314A>G, p.Lys105Arg (NM_001282543.2); c.215+15558A>G (NM_001282545.2); c.364+10794A>G (NM_001282549.2); c.158+27909A>G (NM_001282548.2); short protein forms K124R, K105R.
Identifiers: ClinVar variation 665595 (VCV000665595.13), dbSNP rs1574821845, ClinGen allele CA350458376.